The following is an entry in ClinVar:

ClinVar aggregate classification (germline): Uncertain significance (1 of 4 stars; one submission).

gnomAD v4.1: 18 of 1,604,598 alleles (0.0011%); highest among the groups gnomAD compares: Non-Finnish European, 0.0015%; no homozygotes.

Submission:

Labcorp Genetics (formerly Invitae), Labcorp
Classification: Uncertain significance. Last evaluated: 2025-07-10. Review status: criteria provided, single submitter. Criteria: Invitae Variant Classification Sherloc (09022015). Collection method: clinical testing. Allele origin: germline.
Comment: This sequence change replaces cysteine, which is neutral and slightly polar, with tryptophan, which is neutral and slightly polar, at codon 2280 of the TRIOBP protein (p.Cys2280Trp). This variant is present in population databases (no rsID available, gnomAD 0.007%). This variant has not been reported in the literature in individuals affected with TRIOBP-related conditions. An algorithm developed to predict the effect of missense changes on protein structure and function (PolyPhen-2) suggests that this variant is likely to be tolerated. In summary, the available evidence is currently insufficient to determine the role of this variant in disease. Therefore, it has been classified as a Variant of Uncertain Significance.

NM_001039141.3(TRIOBP):c.6840C>G (p.Cys2280Trp)

Gene: TRIOBP (TRIO and F-actin binding protein; plus strand). Cytogenetic location: 22q13.1.
Variant type: single nucleotide variant.
Coding change: c.6840C>G on transcript NM_001039141.3 (MANE Select); coding-DNA position 6840, C replaced by G.
Protein change: p.Cys2280Trp; replaces cysteine 2280 with tryptophan.
Molecular consequence: missense variant.
Genome position (GRCh38, 1-based): chr22:37,769,366, C>G. VCF-style: chr22-37769366-C-G. GRCh37 (hg19) VCF-style: chr22-38165373-C-G.
Other names: c.1701C>G, p.Cys567Trp (NM_007032.5); short protein forms C2280W, C567W.
Identifiers: ClinVar variation 4708010 (VCV004708010.1).